The following is an entry in ClinVar:

NM_005121.3(MED13):c.4948G>A (p.Glu1650Lys)

Gene: MED13 (mediator complex subunit 13; minus strand). Cytogenetic location: 17q23.2.
Variant type: single nucleotide variant.
Coding change: c.4948G>A on transcript NM_005121.3 (MANE Select); coding-DNA position 4948, G replaced by A.
Protein change: p.Glu1650Lys; replaces glutamic acid 1650 with lysine.
Molecular consequence: missense variant.
Genome position (GRCh38, 1-based): chr17:61,962,868, C>T on the plus strand (G>A on the coding strand, the complement: MED13 is on the minus strand). VCF-style: chr17-61962868-C-T. GRCh37 (hg19) VCF-style: chr17-60040229-C-T.
Other names: short protein forms E1650K.
Identifiers: ClinVar variation 218664 (VCV000218664.10), dbSNP rs864309592, ClinGen allele CA249407.

ClinVar aggregate classification (germline): Uncertain significance. Review status: criteria provided, multiple submitters, no conflicts (2 of 4 stars). 3 submissions from 3 submitters: Uncertain significance (3). Last evaluated 2025-08-25.

Conditions:
Inborn genetic diseases. Identifiers: MedGen C0950123, MeSH D030342.

Allele frequency attached by ClinVar (database versions not stated): TOPMed below 0.00001; gnomAD exomes 0.00001.
gnomAD v4.1: 15 of 1,614,014 alleles (0.00093%); highest among the groups gnomAD compares: African/African-American, 0.0013%; no homozygotes.

Submissions (3):

Ambry Genetics
Classification: Uncertain significance for Inborn genetic diseases. Last evaluated: 2025-08-25. Review status: criteria provided, single submitter. Criteria: Ambry Variant Classification Scheme 2023. Collection method: clinical testing. Allele origin: germline.

CeGaT Center for Human Genetics Tuebingen
Classification: Uncertain significance. Last evaluated: 2025-08-01. Review status: criteria provided, single submitter. Criteria: CeGaT Center For Human Genetics Tuebingen Variant Classification Criteria Version 2. Collection method: clinical testing. Allele origin: germline. Affected: yes. Observed: 1 variant allele.
Comment: MED13: PM2:Supporting

Genomic Diagnostic Laboratory, Division of Genomic Diagnostics, Children's Hospital of Philadelphia
Classification: Uncertain significance. Last evaluated: 2015-07-17. Review status: criteria provided, single submitter. Criteria: DGD Variant Analysis Guidelines. Collection method: clinical testing. Allele origin: unknown.